The following is an entry in ClinVar:

NM_152564.5(VPS13B):c.9459C>G (p.Ser3153=)

Gene: VPS13B (vacuolar protein sorting 13 homolog B; plus strand). Cytogenetic location: 8q22.2.
Variant type: single nucleotide variant.
Coding change: c.9459C>G on transcript NM_152564.5 (MANE Select); coding-DNA position 9459, C replaced by G.
Protein change: p.Ser3153=; no amino-acid change (serine 3153 retained).
Molecular consequence: synonymous variant.
Genome position (GRCh38, 1-based): chr8:99,832,497, C>G. VCF-style: chr8-99832497-C-G. GRCh37 (hg19) VCF-style: chr8-100844725-C-G.
Other names: c.9534C>G, p.Ser3178= (NM_017890.5).
Identifiers: ClinVar variation 3389657 (VCV003389657.14).
Genomic context (GRCh38, chr8:99,832,497, plus strand): 5'-CAGCTCCCTTCCTTGCTGGGACTTGATGCCTGACATCAGTCAGTCAGTACTGGATGCATC[C>G]CTGCTTCAGAAACAGATCATGCTGGGCTTTTCTCCTGCCCCAGGTGCTGACAGCTCACAG-3'
Protein context (NP_689777.3, residues 3143-3163): PDISQSVLDA[Ser3153=]LLQKQIMLGF

ClinVar aggregate classification (germline): Likely benign (1 of 4 stars; one submission).

Submission:

CeGaT Center for Human Genetics Tuebingen
Classification: Likely benign. Last evaluated: 2024-09-01. Review status: criteria provided, single submitter. Criteria: CeGaT Center For Human Genetics Tuebingen Variant Classification Criteria Version 2. Collection method: clinical testing. Allele origin: germline. Affected: yes. Observed: 1 variant allele.
Comment: VPS13B: PM2:Supporting, BP4, BP7